The following is an entry in ClinVar:

NM_001351132.2(PEX5):c.134C>T (p.Pro45Leu)

Gene: PEX5 (peroxisomal biogenesis factor 5; plus strand). Cytogenetic location: 12p13.31.
Variant type: single nucleotide variant.
Coding change: c.134C>T on transcript NM_001351132.2 (MANE Select); coding-DNA position 134, C replaced by T.
Protein change: p.Pro45Leu; replaces proline 45 with leucine.
Molecular consequence: missense variant.
Genome position (GRCh38, 1-based): chr12:7,190,511, C>T. VCF-style: chr12-7190511-C-T. GRCh37 (hg19) VCF-style: chr12-7343107-C-T.
Other names: c.134C>T, p.Pro45Leu (NM_000319.5, NM_001131023.2, NM_001131024.2 and 22 more transcripts); short protein forms P45L.
Identifiers: ClinVar variation 1486855 (VCV001486855.5), dbSNP rs145649593, ClinGen allele CA6426004.
Genomic context (GRCh38, chr12:7,190,511, plus strand): 5'-CCCAGGACAAGGCCCTTCGGCAGGAGGGATTGAGGCCTGGCCCCTGGCCCCCCGGAGCCC[C>T]GGCCTCTGAGGCAGTGAGTGTTCTTGAGGTGGAAAGCCCAGGTGCAGCCTCTGAGGCAGT-3'
Protein context (NP_001338061.1, residues 35-55): LRPGPWPPGA[Pro45Leu]ASEAASKPLG

ClinVar aggregate classification (germline): Uncertain significance (1 of 4 stars; one submission).

Conditions:
Peroxisome biogenesis disorder 2B (PBD2B). Identifiers: Orphanet 44, MedGen C3550234, MONDO:0008736, OMIM 202370.

Allele frequency attached by ClinVar (database versions not stated): ExAC 0.00001; TOPMed 0.00002; ESP Exome Variant Server 0.00008.

Submission:

Labcorp Genetics (formerly Invitae), Labcorp
Classification: Uncertain significance for Peroxisome biogenesis disorder 2B. Last evaluated: 2022-03-26. Review status: criteria provided, single submitter. Criteria: Invitae Variant Classification Sherloc (09022015). Collection method: clinical testing. Allele origin: germline.
Comment: This sequence change replaces proline, which is neutral and non-polar, with leucine, which is neutral and non-polar, at codon 45 of the PEX5 protein (p.Pro45Leu). This variant is not present in population databases (gnomAD no frequency). This variant has not been reported in the literature in individuals affected with PEX5-related conditions. Algorithms developed to predict the effect of missense changes on protein structure and function (SIFT, PolyPhen-2, Align-GVGD) all suggest that this variant is likely to be tolerated. In summary, the available evidence is currently insufficient to determine the role of this variant in disease. Therefore, it has been classified as a Variant of Uncertain Significance.